The following is an entry in ClinVar:

NM_003846.3(PEX11B):c.56+1G>A

Gene: PEX11B (peroxisomal biogenesis factor 11 beta; minus strand). Cytogenetic location: 1q21.1.
Variant type: single nucleotide variant.
Coding change: c.56+1G>A on transcript NM_003846.3 (MANE Select); the canonical splice donor site of the intron after coding-DNA position 56, G replaced by A.
Molecular consequence: splice donor variant.
Genome position (GRCh38, 1-based): chr1:145,918,632, C>T on the plus strand (G>A on the coding strand, the complement: PEX11B is on the minus strand). VCF-style: chr1-145918632-C-T. GRCh37 (hg19) VCF-style: chr1-145516457-G-A.
Identifiers: ClinVar variation 3633203 (VCV003633203.2).

ClinVar aggregate classification (germline): Likely pathogenic (1 of 4 stars; one submission).

gnomAD v4.1: 1 of 1,594,312 alleles (0.000063%); highest among the groups gnomAD compares: Non-Finnish European, 0.000085%; no homozygotes.

Submission:

Labcorp Genetics (formerly Invitae), Labcorp
Classification: Likely pathogenic. Last evaluated: 2024-07-12. Review status: criteria provided, single submitter. Criteria: Invitae Variant Classification Sherloc (09022015). Collection method: clinical testing. Allele origin: germline.
Comment: This sequence change affects a donor splice site in intron 1 of the PEX11B gene. It is expected to disrupt RNA splicing. Variants that disrupt the donor or acceptor splice site typically lead to a loss of protein function (PMID: 16199547), and loss-of-function variants in PEX11B are known to be pathogenic (PMID: 22581968, 26233629, 28129423). This variant is not present in population databases (gnomAD no frequency). This variant has not been reported in the literature in individuals affected with PEX11B-related conditions. Algorithms developed to predict the effect of sequence changes on RNA splicing suggest that this variant may disrupt the consensus splice site. In summary, the currently available evidence indicates that the variant is pathogenic, but additional data are needed to prove that conclusively. Therefore, this variant has been classified as Likely Pathogenic.

Literature cited by the submitters: PubMed 16199547; PubMed 22581968; PubMed 26233629; PubMed 28129423.